The following is an entry in ClinVar:

NM_024426.6(WT1):c.349G>A (p.Gly117Ser)

Genes: WT1 (WT1 transcription factor; minus strand), LOC107982234 (WT1/WT1-AS bi-directional promoter region; plus strand). Cytogenetic location: 11p13.
Variant type: single nucleotide variant.
Coding change: c.349G>A on transcript NM_024426.6 (MANE Select); coding-DNA position 349, G replaced by A.
Protein change: p.Gly117Ser; replaces glycine 117 with serine.
Molecular consequence: missense variant. On other transcripts: non-coding transcript variant (2).
Genome position (GRCh38, 1-based): chr11:32,435,012, C>T on the plus strand (G>A on the coding strand, the complement: WT1 is on the minus strand). VCF-style: chr11-32435012-C-T. GRCh37 (hg19) VCF-style: chr11-32456558-C-T.
Other names: c.334G>A (NM_024426.4); c.349G>A, p.Gly117Ser (NM_000378.6, NM_001407044.1, NM_001407045.1 and 6 more transcripts); c.334G>A, p.Gly112Ser (NM_024425.2); short protein forms G112S, G117S.
Identifiers: ClinVar variation 2679630 (VCV002679630.2), dbSNP rs1363378960, ClinGen allele CA379965874.

ClinVar aggregate classification (germline): Uncertain significance. Review status: criteria provided, multiple submitters, no conflicts (2 of 4 stars). 2 submissions from 2 submitters: Uncertain significance (2). Last evaluated 2024-12-12.

Conditions:
Inborn genetic diseases. Identifiers: MedGen C0950123, MeSH D030342.
Drash syndrome (DDS). Also called: NEPHROPATHY, WILMS TUMOR, AND GENITAL ANOMALIES; WILMS TUMOR AND PSEUDO- OR TRUE HERMAPHRODITISM. Identifiers: Orphanet 220, MedGen C0950121, MONDO:0008682, OMIM 194080.

Allele frequency attached by ClinVar (database versions not stated): gnomAD exomes below 0.00001.
gnomAD v4.1: 5 of 1,488,448 alleles (0.00034%); highest among the groups gnomAD compares: South Asian, 0.0066%; no homozygotes.

Submissions (2):

Ambry Genetics
Classification: Uncertain significance for Inborn genetic diseases. Last evaluated: 2024-12-12. Review status: criteria provided, single submitter. Criteria: Ambry Variant Classification Scheme 2023. Collection method: clinical testing. Allele origin: germline.
Comment: The p.G112S variant (also known as c.334G>A), located in coding exon 1 of the WT1 gene, results from a G to A substitution at nucleotide position 334. The glycine at codon 112 is replaced by serine, an amino acid with similar properties. This amino acid position is conserved. In addition, this alteration is predicted to be tolerated by in silico analysis. Based on the available evidence, the clinical significance of this variant remains unclear.

Baylor Genetics
Classification: Uncertain significance for Drash syndrome. Last evaluated: 2023-06-22. Review status: criteria provided, single submitter. Criteria: ACMG Guidelines, 2015. Collection method: clinical testing. Allele origin: unknown.